The following is an entry in ClinVar:

ClinVar aggregate classification (germline): Uncertain significance. Review status: criteria provided, multiple submitters, no conflicts (2 of 4 stars). 3 submissions from 3 submitters: Uncertain significance (3). Last evaluated 2025-11-25.

Conditions:
Inborn genetic diseases. Identifiers: MedGen C0950123, MeSH D030342.
Malignant hyperthermia, susceptibility to, 1 (MHS1). Also called: Anesthesia related hyperthermia; Malignant hyperpyrexia; Fulminating hyperpyrexia; Pharmacogenic myopathy; RYR1-Related Malignant Hyperthermia Susceptibility; Malignant hyperthermia suceptibility 1. Identifiers: Orphanet 423, MedGen C2930980, MONDO:0007783, OMIM 145600.

Allele frequency attached by ClinVar (database versions not stated): TOPMed 0.00002.

Submissions (3):

Ambry Genetics
Classification: Uncertain significance for Inborn genetic diseases. Last evaluated: 2025-11-25. Review status: criteria provided, single submitter. Criteria: Ambry Variant Classification Scheme 2023. Collection method: clinical testing. Allele origin: germline.

All of Us Research Program, National Institutes of Health
Classification: Uncertain significance for Malignant hyperthermia, susceptibility to, 1. Last evaluated: 2024-03-05. Review status: criteria provided, single submitter. Criteria: ACMG Guidelines, 2015. Collection method: clinical testing. Allele origin: germline. Inheritance: Autosomal dominant inheritance. Observed: 1 variant allele, 1 heterozygote.
Comment: This study involves interpretation of variants in research participants for the purpose of population health screening. Participant phenotype was not available at the time of variant classification. Additional details can be found in publication PMID: 35346344, PMCID: PMC8962531

PreventionGenetics, part of Exact Sciences
Classification: Uncertain significance. Last evaluated: 2018-06-11. Review status: criteria provided, single submitter. Criteria: ACMG Guidelines, 2015. Collection method: clinical testing. Allele origin: germline.

NM_000540.3(RYR1):c.4775C>A (p.Pro1592Gln)

Gene: RYR1 (ryanodine receptor 1; plus strand). Cytogenetic location: 19q13.2.
Variant type: single nucleotide variant.
Coding change: c.4775C>A on transcript NM_000540.3 (MANE Select); coding-DNA position 4775, C replaced by A.
Protein change: p.Pro1592Gln; replaces proline 1592 with glutamine.
Molecular consequence: missense variant.
Genome position (GRCh38, 1-based): chr19:38,483,357, C>A. VCF-style: chr19-38483357-C-A. GRCh37 (hg19) VCF-style: chr19-38973997-C-A.
Other names: c.4775C>A, p.Pro1592Gln (NM_001042723.2); short protein forms P1592Q.
Identifiers: ClinVar variation 590539 (VCV000590539.4), dbSNP rs193922777, ClinGen allele CA308090548.